The following is an entry in ClinVar:

ClinVar aggregate classification (germline): Pathogenic. Review status: criteria provided, multiple submitters, no conflicts (2 of 4 stars). 4 submissions from 3 submitters: Pathogenic (3). 1 of the submissions does not count toward it. Last evaluated 2025-02-17.

Conditions:
Isolated microphthalmia 5. Also called: Posterior Microphthalmia with Retinitis Pigmentosa, Foveoschisis, and Optic Disc Drusen. Identifiers: Orphanet 251279, MedGen C1970236, MONDO:0012605, OMIM 611040.

Allele frequency attached by ClinVar (database versions not stated): gnomAD exomes below 0.00001.
gnomAD v4.1: 2 of 1,612,680 alleles (0.00012%); highest among the groups gnomAD compares: Non-Finnish European, 0.00017%; no homozygotes.

Submissions (4):

Labcorp Genetics (formerly Invitae), Labcorp
Classification: Pathogenic for Isolated microphthalmia 5. Last evaluated: 2025-02-17. Review status: criteria provided, single submitter. Criteria: Invitae Variant Classification Sherloc (09022015). Collection method: clinical testing. Allele origin: germline.
Comment: This sequence change creates a premature translational stop signal (p.Trp249*) in the MFRP gene. It is expected to result in an absent or disrupted protein product. Loss-of-function variants in MFRP are known to be pathogenic (PMID: 12140190, 15976030, 20361016). This variant is present in population databases (rs786205471, gnomAD 0.0009%). This premature translational stop signal has been observed in individual(s) with retinal dystrophy (PMID: 32996714). ClinVar contains an entry for this variant (Variation ID: 191026). Algorithms developed to predict the effect of sequence changes on RNA splicing suggest that this variant may disrupt the consensus splice site. For these reasons, this variant has been classified as Pathogenic.

Department of Genetics, Sultan Qaboos University Hospital
Classification: Pathogenic for Isolated microphthalmia 5. Last evaluated: 2024-06-12. Review status: criteria provided, single submitter. Criteria: ACMG Guidelines, 2015. Collection method: curation. Allele origin: unknown. Affected: yes.

Genomic Medicine Center of Excellence, King Faisal Specialist Hospital and Research Centre
Classification: Pathogenic for Isolated microphthalmia 5. Last evaluated: 2024-03-17. Review status: criteria provided, single submitter. Criteria: ACMG Guidelines, 2015. Collection method: research. Allele origin: germline.

Genomic Medicine Center of Excellence, King Faisal Specialist Hospital and Research Centre
Classification: Likely pathogenic. Review status: flagged submission. Criteria: ACMG Guidelines, 2015. Collection method: research. Allele origin: germline. Affected: yes. Not counted in ClinVar's aggregate classification.
ClinVar note: Reason: This record appears to be redundant with a more recent record from the same submitter.
ClinVar note: Notes: SCV000221398 appears to be redundant with SCV004805009.

Literature cited by the submitters: PubMed 12140190 (cited by Labcorp Genetics (formerly Invitae), Labcorp); PubMed 15976030 (cited by Labcorp Genetics (formerly Invitae), Labcorp); PubMed 20361016 (cited by Labcorp Genetics (formerly Invitae), Labcorp); PubMed 32996714 (cited by Labcorp Genetics (formerly Invitae), Labcorp).

NM_031433.4(MFRP):c.746G>A (p.Trp249Ter)

Genes: C1QTNF5 (C1q and TNF related 5; minus strand), MFRP (membrane frizzled-related protein; minus strand). Cytogenetic location: 11q23.3.
Variant type: single nucleotide variant.
Coding change: c.746G>A on transcript NM_031433.4 (MANE Select); coding-DNA position 746, G replaced by A.
Protein change: p.Trp249Ter; replaces tryptophan 249 with a stop codon.
Molecular consequence: nonsense. On other transcripts: 5 prime UTR variant (1).
Genome position (GRCh38, 1-based): chr11:119,344,900, C>T on the plus strand (G>A on the coding strand, the complement: MFRP is on the minus strand). VCF-style: chr11-119344900-C-T. GRCh37 (hg19) VCF-style: chr11-119215610-C-T.
Other names: c.-1891G>A (NM_015645.5); short protein forms W249*.
Identifiers: ClinVar variation 191026 (VCV000191026.11), dbSNP rs786205471, ClinGen allele CA017176.